The following is an entry in ClinVar:

NM_005591.4(MRE11):c.1225+605T>C

Gene: MRE11 (MRE11 double strand break repair nuclease; minus strand). Cytogenetic location: 11q21.
Variant type: single nucleotide variant.
Coding change: c.1225+605T>C on transcript NM_005591.4 (MANE Select); 605 bases into the intron after coding-DNA position 1225, T replaced by C.
Molecular consequence: intron variant.
Genome position (GRCh38, 1-based): chr11:94,463,508, A>G on the plus strand (T>C on the coding strand, the complement: MRE11 is on the minus strand). VCF-style: chr11-94463508-A-G. GRCh37 (hg19) VCF-style: chr11-94196674-A-G.
Other names: c.1225+605T>C (NM_001330347.2, NM_005590.4).
Identifiers: ClinVar variation 60653 (VCV000060653.1), dbSNP rs397509355, ClinGen allele CA144594.

ClinVar aggregate classification (germline): other (0 of 4 stars; one submission).

Conditions:
Malignant tumor of urinary bladder. Also called: Urinary bladder cancer; Urinary Bladder Neoplasms; Bladder cancer. Identifiers: MedGen C0005684, MONDO:0001187, OMIM 109800.

Allele frequency attached by ClinVar (database versions not stated): 1000 Genomes Project 30x 0.00016; TOPMed 0.00033; gnomAD 0.00038.
gnomAD v4.1: 56 of 152,328 alleles (0.037%); highest among the groups gnomAD compares: Non-Finnish European, 0.069%; no homozygotes.

Submission:

Gray Institute for Radiation Oncology & Biology, University of Oxford
Classification: other. Review status: no assertion criteria provided. Collection method: not provided. Allele origin: germline.
Comment: Detected by next-generation sequencing & confirmed by Sanger sequencing